The following is an entry in ClinVar:

ClinVar aggregate classification (germline): Uncertain significance (1 of 4 stars; one submission).

Submission:

Labcorp Genetics (formerly Invitae), Labcorp
Classification: Uncertain significance. Last evaluated: 2025-03-13. Review status: criteria provided, single submitter. Criteria: Invitae Variant Classification Sherloc (09022015). Collection method: clinical testing. Allele origin: germline.
Comment: This sequence change replaces histidine, which is basic and polar, with proline, which is neutral and non-polar, at codon 82 of the KIF23 protein (p.His82Pro). This variant is not present in population databases (gnomAD no frequency). This variant has not been reported in the literature in individuals affected with KIF23-related conditions. Invitae Evidence Modeling of protein sequence and biophysical properties (such as structural, functional, and spatial information, amino acid conservation, physicochemical variation, residue mobility, and thermodynamic stability) indicates that this missense variant is not expected to disrupt KIF23 protein function with a negative predictive value of 80%. In summary, the available evidence is currently insufficient to determine the role of this variant in disease. Therefore, it has been classified as a Variant of Uncertain Significance.

NM_001367805.3(KIF23):c.245A>C (p.His82Pro)

Gene: KIF23 (kinesin family member 23; plus strand). Cytogenetic location: 15q23.
Variant type: single nucleotide variant.
Coding change: c.245A>C on transcript NM_001367805.3 (MANE Select); coding-DNA position 245, A replaced by C.
Protein change: p.His82Pro; replaces histidine 82 with proline.
Molecular consequence: missense variant. On other transcripts: non-coding transcript variant (2).
Genome position (GRCh38, 1-based): chr15:69,421,681, A>C. VCF-style: chr15-69421681-A-C. GRCh37 (hg19) VCF-style: chr15-69714020-A-C.
Other names: c.52A>C, p.Thr18Pro (NM_001281301.2); c.245A>C, p.His82Pro (NM_001367804.2, NM_004856.7, NM_138555.4); short protein forms H82P, T18P.
Identifiers: ClinVar variation 4736733 (VCV004736733.1).